The following is an entry in ClinVar:

ClinVar aggregate classification (germline): Uncertain significance (1 of 4 stars; one submission).

Conditions:
Trichorhinophalangeal dysplasia type I (TRPS1). Also called: TRICHORHINOPHALANGEAL SYNDROME, TYPE I; TRPS I. Identifiers: Orphanet 77258, MedGen C0432233, MONDO:0008596, OMIM 190350.
Trichorhinophalangeal syndrome, type III (TRPS3). Also called: SUGIO-KAJII SYNDROME. Identifiers: Orphanet 77258, MedGen C1860823, OMIM 190351, MONDO:0008597.

Submission:

Labcorp Genetics (formerly Invitae), Labcorp
Classification: Uncertain significance for Trichorhinophalangeal syndrome, type III; Trichorhinophalangeal dysplasia type I. Last evaluated: 2024-11-04. Review status: criteria provided, single submitter. Criteria: Invitae Variant Classification Sherloc (09022015). Collection method: clinical testing. Allele origin: germline.
Comment: This sequence change replaces proline, which is neutral and non-polar, with threonine, which is neutral and polar, at codon 482 of the TRPS1 protein (p.Pro482Thr). This variant is not present in population databases (gnomAD no frequency). This variant has not been reported in the literature in individuals affected with TRPS1-related conditions. Invitae Evidence Modeling of protein sequence and biophysical properties (such as structural, functional, and spatial information, amino acid conservation, physicochemical variation, residue mobility, and thermodynamic stability) indicates that this missense variant is not expected to disrupt TRPS1 protein function with a negative predictive value of 80%. In summary, the available evidence is currently insufficient to determine the role of this variant in disease. Therefore, it has been classified as a Variant of Uncertain Significance.

NM_014112.5(TRPS1):c.1444C>A (p.Pro482Thr)

Gene: TRPS1 (transcriptional repressor GATA binding 1; minus strand). Cytogenetic location: 8q23.3.
Variant type: single nucleotide variant.
Coding change: c.1444C>A on transcript NM_014112.5 (MANE Select); coding-DNA position 1444, C replaced by A.
Protein change: p.Pro482Thr; replaces proline 482 with threonine.
Molecular consequence: missense variant.
Genome position (GRCh38, 1-based): chr8:115,604,525, G>T on the plus strand (C>A on the coding strand, the complement: TRPS1 is on the minus strand). VCF-style: chr8-115604525-G-T. GRCh37 (hg19) VCF-style: chr8-116616752-G-T.
Other names: c.1417C>A, p.Pro473Thr (NM_001282902.3); c.1423C>A, p.Pro475Thr (NM_001282903.3); c.1405C>A, p.Pro469Thr (NM_001330599.2); short protein forms P469T, P473T, P475T, P482T.
Identifiers: ClinVar variation 3756269 (VCV003756269.2).